The following is an entry in ClinVar:

ClinVar aggregate classification (germline): Likely benign. Review status: criteria provided, multiple submitters, no conflicts (2 of 4 stars). 2 submissions from 2 submitters: Likely benign (2). Last evaluated 2026-01-21.

Conditions:
Methylmalonic acidemia with homocystinuria, type cblX (MAHCX). Also called: INTELLECTUAL DEVELOPMENTAL DISORDER, X-LINKED 3. Identifiers: Orphanet 369962, MedGen C0796208, MONDO:0010657, OMIM 309541.

Allele frequency attached by ClinVar (database versions not stated): gnomAD exomes 0.00001 and 0.00003; ExAC 0.00002; gnomAD 0.00002; TOPMed 0.00005.
gnomAD v4.1: 16 of 1,198,097 alleles (0.0013%); highest among the groups gnomAD compares: Admixed American, 0.013%; no homozygotes.

Submissions (2):

Labcorp Genetics (formerly Invitae), Labcorp
Classification: Likely benign for Methylmalonic acidemia with homocystinuria, type cblX. Last evaluated: 2026-01-21. Review status: criteria provided, single submitter. Criteria: Invitae Variant Classification Sherloc (09022015). Collection method: clinical testing. Allele origin: germline.

CeGaT Center for Human Genetics Tuebingen
Classification: Likely benign. Last evaluated: 2026-01-01. Review status: criteria provided, single submitter. Criteria: CeGaT Center For Human Genetics Tuebingen Variant Classification Criteria Version 2. Collection method: clinical testing. Allele origin: germline. Affected: yes. Observed: 1 variant allele.
Comment: HCFC1: BS2

NM_005334.3(HCFC1):c.1689G>A (p.Ser563=)

Gene: HCFC1 (host cell factor C1; minus strand). Cytogenetic location: Xq28.
Variant type: single nucleotide variant.
Coding change: c.1689G>A on transcript NM_005334.3 (MANE Select); coding-DNA position 1689, G replaced by A.
Protein change: p.Ser563=; no amino-acid change (serine 563 retained).
Molecular consequence: synonymous variant.
Genome position (GRCh38, 1-based): chrX:153,958,683, C>T on the plus strand (G>A on the coding strand, the complement: HCFC1 is on the minus strand). VCF-style: chrX-153958683-C-T. GRCh37 (hg19) VCF-style: chrX-153224134-C-T.
Identifiers: ClinVar variation 951656 (VCV000951656.14), dbSNP rs782472950, ClinGen allele CA10557462.
Genomic context (GRCh38, chrX:153,958,683, plus strand): 5'-TGTCACAGCCATGGTCTTCACGATGGTGGTACCCGCTGGGACACTCAGCACCGTGGGTGC[C>T]GAGGAAGGGGGGATCTTCTGGGTGGCAGCGGCCGCAGCGGCCAGTGCGGCCATCCCACTC-3'
Protein context (NP_005325.2, residues 553-573): AAATQKIPPS[Ser563=]APTVLSVPAG